The following is an entry in ClinVar:

ClinVar aggregate classification (germline): Likely benign. Review status: criteria provided, multiple submitters, no conflicts (2 of 4 stars). 7 submissions from 7 submitters: Likely benign (5). 2 of the submissions do not count toward it. Last evaluated 2025-02-10.

Conditions:
Cardiovascular phenotype. Identifiers: MedGen CN230736.
Autosomal recessive limb-girdle muscular dystrophy type 2J (LGMDR10). Also called: MUSCULAR DYSTROPHY, LIMB-GIRDLE, AUTOSOMAL RECESSIVE 10; Limb-girdle muscular dystrophy, type 2J. Identifiers: Orphanet 140922, MedGen C1837342, MONDO:0012127, OMIM 608807.
Dilated cardiomyopathy 1G (CMD1G). Identifiers: Orphanet 154, MedGen C1858763, MONDO:0011400, OMIM 604145.

Allele frequency attached by ClinVar (database versions not stated): gnomAD exomes 0.00002; ExAC 0.00003; gnomAD 0.00003; TOPMed 0.00004.
gnomAD v4.1: 34 of 1,612,796 alleles (0.0021%); highest among the groups gnomAD compares: Admixed American, 0.005%; no homozygotes.

Submissions (7):

Labcorp Genetics (formerly Invitae), Labcorp
Classification: Likely benign for Dilated cardiomyopathy 1G; Autosomal recessive limb-girdle muscular dystrophy type 2J. Last evaluated: 2025-02-10. Review status: criteria provided, single submitter. Criteria: Invitae Variant Classification Sherloc (09022015). Collection method: clinical testing. Allele origin: germline.

Ambry Genetics
Classification: Likely benign for Cardiovascular phenotype. Last evaluated: 2024-06-16. Review status: criteria provided, single submitter. Criteria: Ambry Variant Classification Scheme 2023. Collection method: clinical testing. Allele origin: germline.

ARUP Laboratories, Molecular Genetics and Genomics, ARUP Laboratories
Classification: Likely benign. Last evaluated: 2022-04-27. Review status: criteria provided, single submitter. Criteria: ARUP Molecular Germline Variant Investigation Process 2021. Collection method: clinical testing. Allele origin: germline.

Women's Health and Genetics/Laboratory Corporation of America, LabCorp
Classification: Likely benign. Last evaluated: 2021-10-09. Review status: criteria provided, single submitter. Criteria: LabCorp Variant Classification Summary - May 2015. Collection method: clinical testing. Allele origin: germline.

GeneDx
Classification: Likely benign. Last evaluated: 2018-01-03. Review status: criteria provided, single submitter. Criteria: GeneDx Variant Classification (06012015). Collection method: clinical testing. Allele origin: germline. Affected: yes.
Comment: This variant is considered likely benign or benign based on one or more of the following criteria: it is a conservative change, it occurs at a poorly conserved position in the protein, it is predicted to be benign by multiple in silico algorithms, and/or has population frequency not consistent with disease.

Clinical Genetics, Academic Medical Center
Classification: Benign. Review status: no assertion criteria provided. Collection method: clinical testing. Allele origin: germline. Affected: yes. Study: VKGL Data-share Consensus. Not counted in ClinVar's aggregate classification.

Diagnostic Laboratory, Department of Genetics, University Medical Center Groningen
Classification: Likely benign. Review status: no assertion criteria provided. Collection method: clinical testing. Allele origin: germline. Affected: yes. Study: VKGL Data-share Consensus. Not counted in ClinVar's aggregate classification.

NM_001267550.2(TTN):c.44367C>T (p.Tyr14789=)

Gene: TTN (titin; minus strand). Cytogenetic location: 2q31.2.
Variant type: single nucleotide variant.
Coding change: c.44367C>T on transcript NM_001267550.2 (MANE Select); coding-DNA position 44367, C replaced by T.
Protein change: p.Tyr14789=; no amino-acid change (tyrosine 14789 retained).
Molecular consequence: synonymous variant.
Genome position (GRCh38, 1-based): chr2:178,629,358, G>A on the plus strand (C>T on the coding strand, the complement: TTN is on the minus strand). VCF-style: chr2-178629358-G-A. GRCh37 (hg19) VCF-style: chr2-179494085-G-A.
Other names: c.39444C>T, p.Tyr13148= (NM_001256850.1); c.17172C>T, p.Tyr5724= (NM_003319.4); c.36663C>T, p.Tyr12221= (NM_133378.4); c.17547C>T, p.Tyr5849= (NM_133432.3); c.17748C>T, p.Tyr5916= (NM_133437.4).
Identifiers: ClinVar variation 514681 (VCV000514681.18), dbSNP rs750270873, ClinGen allele CA1995666.